The following is an entry in ClinVar:

ClinVar aggregate classification (germline): Uncertain significance (1 of 4 stars; one submission).

Conditions:
Immunodeficiency. Identifiers: MedGen C0021051, MONDO:0021094, HP:0002721.

Allele frequency attached by ClinVar (database versions not stated): gnomAD exomes below 0.00001.

Submission:

Labcorp Genetics (formerly Invitae), Labcorp
Classification: Uncertain significance for Immunodeficiency. Last evaluated: 2021-08-20. Review status: criteria provided, single submitter. Criteria: Invitae Variant Classification Sherloc (09022015). Collection method: clinical testing. Allele origin: germline.
Comment: This sequence change replaces aspartic acid with valine at codon 741 of the NFAT5 protein (p.Asp741Val). The aspartic acid residue is moderately conserved and there is a large physicochemical difference between aspartic acid and valine. This variant is not present in population databases (ExAC no frequency). This variant has not been reported in the literature in individuals affected with NFAT5-related conditions. Algorithms developed to predict the effect of missense changes on protein structure and function are either unavailable or do not agree on the potential impact of this missense change (SIFT: "Deleterious"; PolyPhen-2: "Possibly Damaging"; Align-GVGD: "Class C0"). In summary, the available evidence is currently insufficient to determine the role of this variant in disease. Therefore, it has been classified as a Variant of Uncertain Significance.

NM_138713.4(NFAT5):c.2504A>T (p.Asp835Val)

Gene: NFAT5 (nuclear factor of activated T cells 5; plus strand). Cytogenetic location: 16q22.1.
Variant type: single nucleotide variant.
Coding change: c.2504A>T on transcript NM_138713.4 (MANE Select); coding-DNA position 2504, A replaced by T.
Protein change: p.Asp835Val; replaces aspartic acid 835 with valine.
Molecular consequence: missense variant.
Genome position (GRCh38, 1-based): chr16:69,692,329, A>T. VCF-style: chr16-69692329-A-T. GRCh37 (hg19) VCF-style: chr16-69726232-A-T.
Other names: c.2504A>T, p.Asp835Val (LRG_1332t1); c.2501A>T, p.Asp834Val (NM_001113178.3); c.1829A>T, p.Asp610Val (NM_001367709.1); c.2450A>T, p.Asp817Val (NM_006599.4); c.2222A>T, p.Asp741Val (NM_138714.4, NM_173214.3, NM_173215.3); short protein forms D817V, D610V, D835V, D741V, D834V.
Identifiers: ClinVar variation 649455 (VCV000649455.6), dbSNP rs1335921240, ClinGen allele CA396509764.